The following is an entry in ClinVar:

NM_152703.5(SAMD9L):c.1670G>A (p.Gly557Glu)

Gene: SAMD9L (sterile alpha motif domain containing 9 like; minus strand). Cytogenetic location: 7q21.2.
Variant type: single nucleotide variant.
Coding change: c.1670G>A on transcript NM_152703.5 (MANE Select); coding-DNA position 1670, G replaced by A.
Protein change: p.Gly557Glu; replaces glycine 557 with glutamic acid.
Molecular consequence: missense variant.
Genome position (GRCh38, 1-based): chr7:93,134,302, C>T on the plus strand (G>A on the coding strand, the complement: SAMD9L is on the minus strand). VCF-style: chr7-93134302-C-T. GRCh37 (hg19) VCF-style: chr7-92763615-C-T.
Other names: c.1670G>A, p.Gly557Glu (NM_001303496.3, NM_001303497.3, NM_001303498.3 and 5 more transcripts); c.1670G>A (NM_152703.2); short protein forms G557E.
Identifiers: ClinVar variation 3363564 (VCV003363564.2).

ClinVar aggregate classification (germline): Uncertain significance. Review status: criteria provided, multiple submitters, no conflicts (2 of 4 stars). 2 submissions from 2 submitters: Uncertain significance (2). Last evaluated 2025-06-08.

Conditions:
Inborn genetic diseases. Identifiers: MedGen C0950123, MeSH D030342.

Submissions (2):

Ambry Genetics
Classification: Uncertain significance for Inborn genetic diseases. Last evaluated: 2025-06-08. Review status: criteria provided, single submitter. Criteria: Ambry Variant Classification Scheme 2023. Collection method: clinical testing. Allele origin: germline.
Comment: The p.G557E variant (also known as c.1670G>A), located in coding exon 1 of the SAMD9L gene, results from a G to A substitution at nucleotide position 1670. The glycine at codon 557 is replaced by glutamic acid, an amino acid with similar properties. This amino acid position is conserved. In addition, this alteration is predicted to be tolerated by in silico analysis. Based on the available evidence, the clinical significance of this variant remains unclear.

GeneDx
Classification: Uncertain significance. Last evaluated: 2023-10-26. Review status: criteria provided, single submitter. Criteria: GeneDx Variant Classification Process June 2021. Collection method: clinical testing. Allele origin: germline. Affected: yes.
Comment: Not observed at significant frequency in large population cohorts (gnomAD); In silico analysis supports that this missense variant does not alter protein structure/function; Has not been previously published as pathogenic or benign to our knowledge; This variant is associated with the following publications: (PMID: 28545555)